The following is an entry in ClinVar:

NM_000660.7(TGFB1):c.304G>T (p.Asp102Tyr)

Genes: TGFB1 (transforming growth factor beta 1; minus strand), LOC130064510 (ATAC-STARR-seq lymphoblastoid silent region 10661; plus strand). Cytogenetic location: 19q13.2.
Variant type: single nucleotide variant.
Coding change: c.304G>T on transcript NM_000660.7 (MANE Select); coding-DNA position 304, G replaced by T.
Protein change: p.Asp102Tyr; replaces aspartic acid 102 with tyrosine.
Molecular consequence: missense variant.
Genome position (GRCh38, 1-based): chr19:41,352,741, C>A on the plus strand (G>T on the coding strand, the complement: TGFB1 is on the minus strand). VCF-style: chr19-41352741-C-A. GRCh37 (hg19) VCF-style: chr19-41858646-C-A.
Other names: short protein forms D102Y.
Identifiers: ClinVar variation 1720441 (VCV001720441.6), dbSNP rs2513392422, ClinGen allele CA406004982.

ClinVar aggregate classification (germline): Uncertain significance (1 of 4 stars; one submission).

Submission:

Labcorp Genetics (formerly Invitae), Labcorp
Classification: Uncertain significance. Last evaluated: 2022-09-27. Review status: criteria provided, single submitter. Criteria: Invitae Variant Classification Sherloc (09022015). Collection method: clinical testing. Allele origin: germline.
Comment: In summary, the available evidence is currently insufficient to determine the role of this variant in disease. Therefore, it has been classified as a Variant of Uncertain Significance. Advanced modeling of protein sequence and biophysical properties (such as structural, functional, and spatial information, amino acid conservation, physicochemical variation, residue mobility, and thermodynamic stability) performed at Invitae indicates that this missense variant is not expected to disrupt TGFB1 protein function. This variant has not been reported in the literature in individuals affected with TGFB1-related conditions. This variant is not present in population databases (gnomAD no frequency). This sequence change replaces aspartic acid, which is acidic and polar, with tyrosine, which is neutral and polar, at codon 102 of the TGFB1 protein (p.Asp102Tyr).